The following is an entry in ClinVar:

NM_001378778.1(MPDZ):c.4557+5G>A

Gene: MPDZ (multiple PDZ domain crumbs cell polarity complex component; minus strand). Cytogenetic location: 9p23.
Variant type: single nucleotide variant.
Coding change: c.4557+5G>A on transcript NM_001378778.1 (MANE Select); 5 bases into the intron after coding-DNA position 4557, G replaced by A.
Molecular consequence: intron variant.
Genome position (GRCh38, 1-based): chr9:13,126,675, C>T on the plus strand (G>A on the coding strand, the complement: MPDZ is on the minus strand). VCF-style: chr9-13126675-C-T. GRCh37 (hg19) VCF-style: chr9-13126674-C-T.
Other names: c.4347+5G>A (NM_001375425.1, NM_001375420.1, NM_001375423.1 and 4 more transcripts); c.4458+5G>A (NM_001375419.1, NM_001375416.1, NM_001375418.1 and 3 more transcripts); c.4557+5G>A (NM_001330637.2, NM_003829.5); c.4149+5G>A (NM_001375427.1); c.4656+5G>A (NM_001375413.1).
Identifiers: ClinVar variation 1507083 (VCV001507083.7), dbSNP rs375292259, ClinGen allele CA4986660.

ClinVar aggregate classification (germline): Uncertain significance (1 of 4 stars; one submission).

Allele frequency attached by ClinVar (database versions not stated): ESP Exome Variant Server 0.00008.
gnomAD v4.1: 4 of 1,613,474 alleles (0.00025%); highest among the groups gnomAD compares: South Asian, 0.0011%; no homozygotes.

Submission:

Labcorp Genetics (formerly Invitae), Labcorp
Classification: Uncertain significance. Last evaluated: 2022-03-10. Review status: criteria provided, single submitter. Criteria: Invitae Variant Classification Sherloc (09022015). Collection method: clinical testing. Allele origin: germline.
Comment: This sequence change falls in intron 33 of the MPDZ gene. It does not directly change the encoded amino acid sequence of the MPDZ protein. It affects a nucleotide within the consensus splice site. This variant is present in population databases (rs375292259, gnomAD 0.003%). This variant has not been reported in the literature in individuals affected with MPDZ-related conditions. Variants that disrupt the consensus splice site are a relatively common cause of aberrant splicing (PMID: 17576681, 9536098). Algorithms developed to predict the effect of sequence changes on RNA splicing suggest that this variant may disrupt the consensus splice site. In summary, the available evidence is currently insufficient to determine the role of this variant in disease. Therefore, it has been classified as a Variant of Uncertain Significance.

Literature cited by the submitters: PubMed 17576681; PubMed 9536098.